The following is an entry in ClinVar:

ClinVar aggregate classification (germline): Uncertain significance (1 of 4 stars; one submission).

Submission:

GeneDx
Classification: Uncertain significance. Last evaluated: 2026-01-22. Review status: criteria provided, single submitter. Criteria: GeneDx Variant Classification Process June 2021. Collection method: clinical testing. Allele origin: germline.
Comment: Not observed at significant frequency in large population cohorts (gnomAD); Has not been previously published as pathogenic or benign to our knowledge; Nonsense variant predicted to result in protein truncation as the last 18 amino acid(s) are lost with an unclear effect on protein function

NM_001292034.3(TAB2):c.2027del (p.Phe675_Leu676insTer)

Gene: TAB2 (TGF-beta activated kinase 1 (MAP3K7) binding protein 2; plus strand). Cytogenetic location: 6q25.1.
Variant type: Deletion.
Coding change: c.2027del on transcript NM_001292034.3 (MANE Select); coding-DNA position 2027, one base deleted (T; older notation c.2027delT).
Protein change: p.Phe675_Leu676insTer.
Molecular consequence: nonsense.
Genome position (GRCh38, 1-based): chr6:149,409,664, T deleted; the last of 6 consecutive T bases (chr6:149,409,659-149,409,664); deleting any one gives the same sequence. VCF-style (leftmost placement, unchanged base first): chr6-149409658-CT-C. GRCh37 (hg19) VCF-style: chr6-149730794-CT-C.
Other names: c.1931del, p.Phe643_Leu644insTer (NM_001292035.3); c.2027del, p.Phe675_Leu676insTer (NM_001369506.1, NM_015093.6).
Identifiers: ClinVar variation 4975524 (VCV004975524.1).